The following is an entry in ClinVar:

NM_012463.4(ATP6V0A2):c.2293+1G>A

Gene: ATP6V0A2 (ATPase H+ transporting V0 subunit a2; plus strand). Cytogenetic location: 12q24.31.
Variant type: single nucleotide variant.
Coding change: c.2293+1G>A on transcript NM_012463.4 (MANE Select); the canonical splice donor site of the intron after coding-DNA position 2293, G replaced by A.
Molecular consequence: splice donor variant.
Genome position (GRCh38, 1-based): chr12:123,754,538, G>A. VCF-style: chr12-123754538-G-A. GRCh37 (hg19) VCF-style: chr12-124239085-G-A.
Identifiers: ClinVar variation 1323837 (VCV001323837.7), dbSNP rs750984566, ClinGen allele CA6862185.

ClinVar aggregate classification (germline): Likely pathogenic. Review status: criteria provided, multiple submitters, no conflicts (2 of 4 stars). 2 submissions from 2 submitters: Likely pathogenic (2). Last evaluated 2023-02-10.

Conditions:
ALG9 congenital disorder of glycosylation (CDG1L). Also called: CDG Il; CONGENITAL DISORDER OF GLYCOSYLATION, TYPE Il; ALG9-CDG. Identifiers: Orphanet 79328, MedGen C2931006, MONDO:0012117, OMIM 608776.

Allele frequency attached by ClinVar (database versions not stated): gnomAD exomes below 0.00001 and 0.00001; ExAC 0.00001; gnomAD 0.00001.
gnomAD v4.1: 7 of 1,610,282 alleles (0.00043%); highest among the groups gnomAD compares: African/African-American, 0.0013%; no homozygotes.

Submissions (2):

Labcorp Genetics (formerly Invitae), Labcorp
Classification: Likely pathogenic for ALG9 congenital disorder of glycosylation. Last evaluated: 2023-02-10. Review status: criteria provided, single submitter. Criteria: Invitae Variant Classification Sherloc (09022015). Collection method: clinical testing. Allele origin: germline.
Comment: This sequence change affects a donor splice site in intron 18 of the ATP6V0A2 gene. It is expected to disrupt RNA splicing. Variants that disrupt the donor or acceptor splice site typically lead to a loss of protein function (PMID: 16199547), and loss-of-function variants in ATP6V0A2 are known to be pathogenic (PMID: 18157129, 19321599). This variant is present in population databases (rs750984566, gnomAD 0.007%). This variant has not been reported in the literature in individuals affected with ATP6V0A2-related conditions. ClinVar contains an entry for this variant (Variation ID: 1323837). Algorithms developed to predict the effect of sequence changes on RNA splicing suggest that this variant may disrupt the consensus splice site. In summary, the currently available evidence indicates that the variant is pathogenic, but additional data are needed to prove that conclusively. Therefore, this variant has been classified as Likely Pathogenic.

Revvity Omics, Revvity
Classification: Likely pathogenic. Last evaluated: 2023-01-31. Review status: criteria provided, single submitter. Criteria: ACMG Guidelines, 2015. Collection method: clinical testing. Allele origin: germline.

Literature cited by the submitters: PubMed 16199547 (cited by Labcorp Genetics (formerly Invitae), Labcorp); PubMed 18157129 (cited by Labcorp Genetics (formerly Invitae), Labcorp); PubMed 19321599 (cited by Labcorp Genetics (formerly Invitae), Labcorp).